The following is an entry in ClinVar:

ClinVar aggregate classification (germline): Benign/Likely benign. Review status: criteria provided, multiple submitters, no conflicts (2 of 4 stars). 2 submissions from 2 submitters: Benign (1); Likely benign (1). Last evaluated 2025-05-27.

Conditions:
Hereditary cancer-predisposing syndrome. Also called: Neoplastic Syndromes, Hereditary; Tumor predisposition; Hereditary neoplastic syndrome; Hereditary Cancer Syndrome. Identifiers: Orphanet 140162, MedGen C0027672, MeSH D009386, MONDO:0015356.
Tuberous sclerosis 2 (TSC2). Identifiers: Orphanet 805, MedGen C1860707, MONDO:0013199, OMIM 613254.

gnomAD v4.1: 1 of 1,612,738 alleles (0.000062%); highest among the groups gnomAD compares: Non-Finnish European, 0.000085%; no homozygotes.

Submissions (2):

Myriad Genetics, Inc.
Classification: Benign for Tuberous sclerosis 2. Last evaluated: 2025-05-27. Review status: criteria provided, single submitter. Criteria: Myriad Autosomal Dominant, Autosomal Recessive and X-Linked Classification Criteria (2023). Collection method: clinical testing. Allele origin: unknown.
Comment: This variant is considered benign. This variant is a silent/synonymous amino acid change and it is not expected to impact splicing.

Ambry Genetics
Classification: Likely benign for Hereditary cancer-predisposing syndrome. Last evaluated: 2019-10-30. Review status: criteria provided, single submitter. Criteria: Ambry Variant Classification Scheme 2023. Collection method: clinical testing. Allele origin: germline.

NM_000548.5(TSC2):c.2979G>C (p.Thr993=)

Gene: TSC2 (TSC complex subunit 2; plus strand). Cytogenetic location: 16p13.3.
Variant type: single nucleotide variant.
Coding change: c.2979G>C on transcript NM_000548.5 (MANE Select); coding-DNA position 2979, G replaced by C.
Protein change: p.Thr993=; no amino-acid change (threonine 993 retained).
Molecular consequence: synonymous variant. On other transcripts: non-coding transcript variant (5).
Genome position (GRCh38, 1-based): chr16:2,079,044, G>C. VCF-style: chr16-2079044-G-C. GRCh37 (hg19) VCF-style: chr16-2129045-G-C.
Other names: c.2847G>C, p.Thr949= (NM_001077183.3, NM_001370404.1, NM_001406665.1); c.2979G>C, p.Thr993= (NM_001114382.3); c.2739G>C, p.Thr913= (NM_001318827.2); c.2703G>C, p.Thr901= (NM_001318829.2); c.2247G>C, p.Thr749= (NM_001318831.2, NM_001406687.1, NM_001406688.1); c.2880G>C, p.Thr960= (NM_001318832.2); c.2850G>C, p.Thr950= (NM_001363528.2, NM_001370405.1, NM_021055.3); c.2976G>C, p.Thr992= (NM_001406663.1, NM_001406664.1); and 18 more.
Identifiers: ClinVar variation 1798365 (VCV001798365.3), dbSNP rs45517277, ClinGen allele CA493042698.